The following is an entry in ClinVar:

ClinVar aggregate classification (germline): Uncertain significance (1 of 4 stars; one submission).

Conditions:
Focal segmental glomerulosclerosis 5 (FSGS5). Identifiers: Orphanet 656, MedGen C2750475, MONDO:0013191, OMIM 613237.
Charcot-Marie-Tooth disease dominant intermediate E. Also called: CHARCOT-MARIE-TOOTH NEUROPATHY WITH FOCAL SEGMENTAL GLOMERULONEPHRITIS. Identifiers: Orphanet 93114, MedGen C4302667, MONDO:0013758, OMIM 614455.

gnomAD v4.1: 11 of 1,611,530 alleles (0.00068%); highest among the groups gnomAD compares: Non-Finnish European, 0.00093%; no homozygotes.

Submission:

Labcorp Genetics (formerly Invitae), Labcorp
Classification: Uncertain significance for Charcot-Marie-Tooth disease dominant intermediate E; Focal segmental glomerulosclerosis 5. Last evaluated: 2024-02-23. Review status: criteria provided, single submitter. Criteria: Invitae Variant Classification Sherloc (09022015). Collection method: clinical testing. Allele origin: germline.
Comment: This sequence change replaces arginine, which is basic and polar, with glutamine, which is neutral and polar, at codon 991 of the INF2 protein (p.Arg991Gln). This variant is present in population databases (rs781064993, gnomAD 0.0009%). This variant has not been reported in the literature in individuals affected with INF2-related conditions. Advanced modeling of protein sequence and biophysical properties (such as structural, functional, and spatial information, amino acid conservation, physicochemical variation, residue mobility, and thermodynamic stability) performed at Invitae indicates that this missense variant is not expected to disrupt INF2 protein function with a negative predictive value of 95%. In summary, the available evidence is currently insufficient to determine the role of this variant in disease. Therefore, it has been classified as a Variant of Uncertain Significance.

NM_022489.4(INF2):c.2972G>A (p.Arg991Gln)

Gene: INF2 (inverted formin 2; plus strand). Cytogenetic location: 14q32.33.
Variant type: single nucleotide variant.
Coding change: c.2972G>A on transcript NM_022489.4 (MANE Select); coding-DNA position 2972, G replaced by A.
Protein change: p.Arg991Gln; replaces arginine 991 with glutamine.
Molecular consequence: missense variant. On other transcripts: non-coding transcript variant (1).
Genome position (GRCh38, 1-based): chr14:104,713,538, G>A. VCF-style: chr14-104713538-G-A. GRCh37 (hg19) VCF-style: chr14-105179875-G-A.
Other names: c.2972G>A, p.Arg991Gln (NM_001031714.4, NM_001426862.1, NM_001426863.1 and 2 more transcripts); short protein forms R991Q.
Identifiers: ClinVar variation 3758540 (VCV003758540.2).